The following is an entry in ClinVar:

ClinVar aggregate classification (germline): Likely benign. Review status: criteria provided, single submitter (1 of 4 stars). 2 submissions from 2 submitters: Likely benign (1). 1 of the submissions does not count toward it. Last evaluated 2026-01-14.

Conditions:
FREM2-related disorder. Also called: FREM2-related condition.

Allele frequency attached by ClinVar (database versions not stated): gnomAD exomes 0.00008; ExAC 0.00034; ESP Exome Variant Server 0.00069; 1000 Genomes Project 0.00080; 1000 Genomes Project 30x 0.00094.
gnomAD v4.1: 254 of 1,614,010 alleles (0.016%); highest among the groups gnomAD compares: African/African-American, 0.32%; 1 homozygote.

Submissions (2):

Labcorp Genetics (formerly Invitae), Labcorp
Classification: Likely benign. Last evaluated: 2026-01-14. Review status: criteria provided, single submitter. Criteria: Invitae Variant Classification Sherloc (09022015). Collection method: clinical testing. Allele origin: germline.

PreventionGenetics, part of Exact Sciences
Classification: Likely benign for FREM2-related condition. Last evaluated: 2022-02-10. Review status: no assertion criteria provided. Collection method: clinical testing. Allele origin: germline. Not counted in ClinVar's aggregate classification.
Comment: This variant is classified as likely benign based on ACMG/AMP sequence variant interpretation guidelines (Richards et al. 2015 PMID: 25741868, with internal and published modifications).

NM_207361.6(FREM2):c.3266A>T (p.His1089Leu)

Gene: FREM2 (FRAS1 related extracellular matrix 2; plus strand). Cytogenetic location: 13q13.3.
Variant type: single nucleotide variant.
Coding change: c.3266A>T on transcript NM_207361.6 (MANE Select); coding-DNA position 3266, A replaced by T.
Protein change: p.His1089Leu; replaces histidine 1089 with leucine.
Molecular consequence: missense variant.
Genome position (GRCh38, 1-based): chr13:38,690,610, A>T. VCF-style: chr13-38690610-A-T. GRCh37 (hg19) VCF-style: chr13-39264747-A-T.
Other names: c.3266A>T (NM_207361.5); short protein forms H1089L.
Identifiers: ClinVar variation 2187987 (VCV002187987.6), dbSNP rs139471973, ClinGen allele CA6954767.